The following is an entry in ClinVar:

NM_001364905.1(LRBA):c.6980G>A (p.Arg2327Gln)

Gene: LRBA (LPS responsive beige-like anchor protein; minus strand). Cytogenetic location: 4q31.3.
Variant type: single nucleotide variant.
Coding change: c.6980G>A on transcript NM_001364905.1 (MANE Select); coding-DNA position 6980, G replaced by A.
Protein change: p.Arg2327Gln; replaces arginine 2327 with glutamine.
Molecular consequence: missense variant.
Genome position (GRCh38, 1-based): chr4:150,435,650, C>T on the plus strand (G>A on the coding strand, the complement: LRBA is on the minus strand). VCF-style: chr4-150435650-C-T. GRCh37 (hg19) VCF-style: chr4-151356802-C-T.
Other names: c.6980G>A, p.Arg2327Gln (NM_001199282.3, NM_001367550.1); c.7013G>A, p.Arg2338Gln (NM_006726.5); short protein forms R2327Q, R2338Q.
Identifiers: ClinVar variation 1436067 (VCV001436067.8), dbSNP rs962171895, ClinGen allele CA108348877.
Genomic context (GRCh38, chr4:150,435,650, plus strand): 5'-TTAATATCAGAGGTATCACGCTGACTGTTTCGCCAAGCTCTGGAAATTGATGAAAAAGTT[C>T]GATCTGCATGATCAAATTTGCCTCCTTGCAAATTTAGGAAATAAGTTGTAAAGGGTTCCT-3'
Protein context (NP_001351834.1, residues 2317-2337): LQGGKFDHAD[Arg2327Gln]TFSSISRAWR

ClinVar aggregate classification (germline): Uncertain significance. Review status: criteria provided, multiple submitters, no conflicts (2 of 4 stars). 2 submissions from 2 submitters: Uncertain significance (2). Last evaluated 2022-03-07.

Conditions:
Combined immunodeficiency due to LRBA deficiency. Also called: Common variable immunodeficiency 8, with autoimmunity. Identifiers: Orphanet 445018, MedGen C3553512, MONDO:0013863, OMIM 614700.

Allele frequency attached by ClinVar (database versions not stated): gnomAD exomes below 0.00001 and 0.00002; gnomAD 0.00002; TOPMed 0.00002.
gnomAD v4.1: 32 of 1,612,246 alleles (0.002%); highest among the groups gnomAD compares: East Asian, 0.0045%; no homozygotes.

Submissions (2):

Labcorp Genetics (formerly Invitae), Labcorp
Classification: Uncertain significance for Combined immunodeficiency due to LRBA deficiency. Last evaluated: 2022-03-07. Review status: criteria provided, single submitter. Criteria: Invitae Variant Classification Sherloc (09022015). Collection method: clinical testing. Allele origin: germline.
Comment: In summary, the available evidence is currently insufficient to determine the role of this variant in disease. Therefore, it has been classified as a Variant of Uncertain Significance. Algorithms developed to predict the effect of missense changes on protein structure and function are either unavailable or do not agree on the potential impact of this missense change (SIFT: "Deleterious"; PolyPhen-2: "Possibly Damaging"; Align-GVGD: "Class C0"). This variant has not been reported in the literature in individuals affected with LRBA-related conditions. This variant is present in population databases (no rsID available, gnomAD 0.01%). This sequence change replaces arginine, which is basic and polar, with glutamine, which is neutral and polar, at codon 2338 of the LRBA protein (p.Arg2338Gln).

Blueprint Genetics
Classification: Uncertain significance. Last evaluated: 2021-10-29. Review status: criteria provided, single submitter. Criteria: ACMG Guidelines, 2015. Collection method: clinical testing. Allele origin: germline.